The following is an entry in ClinVar:

ClinVar aggregate classification (germline): Uncertain significance (1 of 4 stars; one submission).

Conditions:
Cardiomyopathy (CMYO). Also called: Cardiomyopathies. Identifiers: Orphanet 167848, MedGen C0878544, MONDO:0004994, HP:0001638. Inheritance: Various modes of inheritance.

gnomAD v4.1: 1 of 1,614,198 alleles (0.000062%); highest among the groups gnomAD compares: South Asian, 0.0011%; no homozygotes.

Submission:

Color Diagnostics, LLC DBA Color Health
Classification: Uncertain significance for Cardiomyopathy. Last evaluated: 2025-06-17. Review status: criteria provided, single submitter. Criteria: ACMG Guidelines, 2015. Collection method: clinical testing. Allele origin: germline.
Comment: This missense variant replaces asparagine with serine at codon 514 of the DSG2 protein. Computational prediction suggests that this variant may not impact protein structure and function. To our knowledge, functional studies have not been reported for this variant. This variant has not been reported in individuals affected with DSG2-related disorders in the literature. This variant has not been identified in the general population by the Genome Aggregation Database (gnomAD). The available evidence is insufficient to determine the role of this variant in disease conclusively. Therefore, this variant is classified as a Variant of Uncertain Significance.

NM_001943.5(DSG2):c.1541A>G (p.Asn514Ser)

Gene: DSG2 (desmoglein 2; plus strand). Cytogenetic location: 18q12.1.
Variant type: single nucleotide variant.
Coding change: c.1541A>G on transcript NM_001943.5 (MANE Select); coding-DNA position 1541, A replaced by G.
Protein change: p.Asn514Ser; replaces asparagine 514 with serine.
Molecular consequence: missense variant.
Genome position (GRCh38, 1-based): chr18:31,536,319, A>G. VCF-style: chr18-31536319-A-G. GRCh37 (hg19) VCF-style: chr18-29116282-A-G.
Other names: short protein forms N514S.
Identifiers: ClinVar variation 4757004 (VCV004757004.1).